The following is an entry in ClinVar:

NM_012291.5(ESPL1):c.27T>C (p.Phe9=)

Gene: ESPL1 (extra spindle pole bodies like 1, separase; plus strand). Cytogenetic location: 12q13.13.
Variant type: single nucleotide variant.
Coding change: c.27T>C on transcript NM_012291.5 (MANE Select); coding-DNA position 27, T replaced by C.
Protein change: p.Phe9=; no amino-acid change (phenylalanine 9 retained).
Molecular consequence: synonymous variant.
Genome position (GRCh38, 1-based): chr12:53,268,793, T>C. VCF-style: chr12-53268793-T-C. GRCh37 (hg19) VCF-style: chr12-53662577-T-C.
Identifiers: ClinVar variation 3035030 (VCV003035030.2), dbSNP rs142528308, ClinGen allele CA6596792.

ClinVar aggregate classification (germline): Likely benign (0 of 4 stars; one submission).

Conditions:
ESPL1-related disorder. Also called: ESPL1-related condition.

Allele frequency attached by ClinVar (database versions not stated): TOPMed 0.00003; gnomAD 0.00007; ESP Exome Variant Server 0.00008; 1000 Genomes Project 0.00040; 1000 Genomes Project 30x 0.00047.
gnomAD v4.1: 136 of 1,612,622 alleles (0.0084%); highest among the groups gnomAD compares: South Asian, 0.12%; no homozygotes.

Submission:

PreventionGenetics, part of Exact Sciences
Classification: Likely benign for ESPL1-related condition. Last evaluated: 2019-08-07. Review status: no assertion criteria provided. Collection method: clinical testing. Allele origin: germline.
Comment: This variant is classified as likely benign based on ACMG/AMP sequence variant interpretation guidelines (Richards et al. 2015 PMID: 25741868, with internal and published modifications).